The following is an entry in ClinVar:

NM_000059.4(BRCA2):c.7255G>A (p.Val2419Ile)

Gene: BRCA2 (BRCA2 DNA repair associated; plus strand). Cytogenetic location: 13q13.1.
Variant type: single nucleotide variant.
Coding change: c.7255G>A on transcript NM_000059.4 (MANE Select); coding-DNA position 7255, G replaced by A.
Protein change: p.Val2419Ile; replaces valine 2419 with isoleucine.
Molecular consequence: missense variant.
Genome position (GRCh38, 1-based): chr13:32,355,108, G>A. VCF-style: chr13-32355108-G-A. GRCh37 (hg19) VCF-style: chr13-32929245-G-A.
Other names: c.7159G>A, p.Val2387Ile (NM_001406719.1); c.7255G>A, p.Val2419Ile (NM_001406720.1); c.2323G>A, p.Val775Ile (NM_001406721.1); c.838G>A, p.Val280Ile (NM_001406722.1); short protein forms V2419I, V2387I, V775I, V280I.
Identifiers: ClinVar variation 1757938 (VCV001757938.5), dbSNP rs1593918221, ClinGen allele CA387740507.

ClinVar aggregate classification (germline): Uncertain significance. Review status: criteria provided, multiple submitters, no conflicts (2 of 4 stars). 2 submissions from 2 submitters: Uncertain significance (2). Last evaluated 2025-03-01.

Conditions:
Hereditary cancer-predisposing syndrome. Also called: Neoplastic Syndromes, Hereditary; Tumor predisposition; Hereditary Cancer Syndrome; Hereditary neoplastic syndrome. Identifiers: Orphanet 140162, MedGen C0027672, MeSH D009386, MONDO:0015356.
Hereditary breast ovarian cancer syndrome. Also called: Hereditary breast and/or ovarian cancer syndrome; Hereditary breast and ovarian cancer syndrome; Breast and ovarian cancer; Hereditary breast and ovarian cancer; BRCA1- and BRCA2-Associated Hereditary Breast and Ovarian Cancer; Hereditary breast and ovarian cancer syndrome (HBOC). Identifiers: Orphanet 145, MedGen C0677776, MeSH D061325, MONDO:0003582. Disease mechanism: loss of function.

Submissions (2):

Ambry Genetics
Classification: Uncertain significance for Hereditary cancer-predisposing syndrome. Last evaluated: 2025-03-01. Review status: criteria provided, single submitter. Criteria: Ambry Variant Classification Scheme 2023. Collection method: clinical testing. Allele origin: germline.
Comment: The p.V2419I variant (also known as c.7255G>A), located in coding exon 13 of the BRCA2 gene, results from a G to A substitution at nucleotide position 7255. The valine at codon 2419 is replaced by isoleucine, an amino acid with highly similar properties. This amino acid position is conserved. In addition, this alteration is predicted to be tolerated by in silico analysis. Since supporting evidence is limited at this time, the clinical significance of this alteration remains unclear.

Labcorp Genetics (formerly Invitae), Labcorp
Classification: Uncertain significance for Hereditary breast ovarian cancer syndrome. Last evaluated: 2024-11-18. Review status: criteria provided, single submitter. Criteria: Invitae Variant Classification Sherloc (09022015). Collection method: clinical testing. Allele origin: germline.
Comment: This sequence change replaces valine, which is neutral and non-polar, with isoleucine, which is neutral and non-polar, at codon 2419 of the BRCA2 protein (p.Val2419Ile). This variant is not present in population databases (gnomAD no frequency). This variant has not been reported in the literature in individuals affected with BRCA2-related conditions. ClinVar contains an entry for this variant (Variation ID: 1757938). Invitae Evidence Modeling of protein sequence and biophysical properties (such as structural, functional, and spatial information, amino acid conservation, physicochemical variation, residue mobility, and thermodynamic stability) indicates that this missense variant is not expected to disrupt BRCA2 protein function with a negative predictive value of 95%. In summary, the available evidence is currently insufficient to determine the role of this variant in disease. Therefore, it has been classified as a Variant of Uncertain Significance.